The following is an entry in ClinVar:

ClinVar aggregate classification (germline): Uncertain significance (1 of 4 stars; one submission).

Conditions:
Leigh syndrome (NULS). Also called: Leigh's necrotizing encephalopathy; Leigh's disease; Leigh Syndrome (mtDNA deletion); Leigh Disease; Subacute necrotizing encephalopathy; Necrotizing encephalopathy infantile subacute of Leigh. Identifiers: Orphanet 506, MedGen C2931891, MONDO:0009723, OMIM 256000.

Submission:

Wong Mito Lab, Molecular and Human Genetics, Baylor College of Medicine
Classification: Uncertain significance for Leigh syndrome. Last evaluated: 2019-10-17. Review status: criteria provided, single submitter. Criteria: Modified ACMG Guidelines (Unpublished). Collection method: clinical testing. Allele origin: germline.
Comment: The NC_012920.1:m.13463G>A (YP_003024036.1:p.Gly376Asp) variant in MTND5 gene is interpretated to be a Uncertain Significance variant based on the modified ACMG guidelines (unpublished). This variant meets the following evidence codes: PP7

NC_012920.1(MT-ND5):m.13463G>A

Gene: MT-ND5 (mitochondrially encoded NADH dehydrogenase 5; plus strand).
Variant type: single nucleotide variant.
Genome position: chrM-13463-G-A.
Identifiers: ClinVar variation 693556 (VCV000693556.1), dbSNP rs1603224197, ClinGen allele CA414818102.